The following is an entry in ClinVar:

ClinVar aggregate classification (germline): Pathogenic (1 of 4 stars; one submission).

Conditions:
Hereditary cancer-predisposing syndrome. Also called: Neoplastic Syndromes, Hereditary; Tumor predisposition; Hereditary Cancer Syndrome; Hereditary neoplastic syndrome. Identifiers: Orphanet 140162, MedGen C0027672, MeSH D009386, MONDO:0015356.

Submission:

Ambry Genetics
Classification: Pathogenic for Hereditary cancer-predisposing syndrome. Last evaluated: 2017-10-30. Review status: criteria provided, single submitter. Criteria: Ambry Variant Classification Scheme 2023. Collection method: clinical testing. Allele origin: germline.
Comment: The c.2089_2093delGCATTins18 variant, located in coding exon 15 of the APC gene, results from the deletion of 5 nucleotides and insertion of 18 nucleotides causing a translational frameshift with a predicted alternate stop codon (p.A697Nfs*13). This alteration is expected to result in loss of function by premature protein truncation or nonsense-mediated mRNA decay. As such, this alteration is interpreted as a disease-causing mutation.

NM_000038.6(APC):c.2089_2093delinsAATGCTGGTCCCATAATG (p.Ala697fs)

Gene: APC (APC regulator of Wnt signaling pathway; plus strand). Cytogenetic location: 5q22.2.
Variant type: Indel.
Coding change: c.2089_2093delinsAATGCTGGTCCCATAATG on transcript NM_000038.6 (MANE Select); coding-DNA positions 2089 to 2093, GCATT replaced by AATGCTGGTCCCATAATG.
Protein change: p.Ala697fs; shifts the reading frame from alanine 697.
Molecular consequence: frameshift variant.
Genome position (GRCh38, 1-based): chr5:112,837,683-112,837,687, GCATT replaced by AATGCTGGTCCCATAATG. VCF-style: chr5-112837683-GCATT-AATGCTGGTCCCATAATG. GRCh37 (hg19) VCF-style: chr5-112173380-GCATT-AATGCTGGTCCCATAATG.
Other names: c.2089_2093delinsAATGCTGGTCCCATAATG, p.Ala697fs (NM_001127510.3, NM_001354895.2); c.2035_2039delinsAATGCTGGTCCCATAATG, p.Ala679fs (NM_001127511.3); c.2143_2147delinsAATGCTGGTCCCATAATG, p.Ala715fs (NM_001354896.2); c.2119_2123delinsAATGCTGGTCCCATAATG, p.Ala707fs (NM_001354897.2); c.2014_2018delinsAATGCTGGTCCCATAATG, p.Ala672fs (NM_001354898.2); c.2005_2009delinsAATGCTGGTCCCATAATG, p.Ala669fs (NM_001354899.2); c.1966_1970delinsAATGCTGGTCCCATAATG, p.Ala656fs (NM_001354900.2); c.1912_1916delinsAATGCTGGTCCCATAATG, p.Ala638fs (NM_001354901.2); and 16 more; short protein forms A571fs, A669fs, A697fs, A537fs, A656fs, A414fs, A596fs, A606fs.
Identifiers: ClinVar variation 1785680 (VCV001785680.2), dbSNP rs2533396061, ClinGen allele CA2580072403.